The following is an entry in ClinVar:

NM_000059.4(BRCA2):c.4486C>A (p.Pro1496Thr)

Gene: BRCA2 (BRCA2 DNA repair associated; plus strand). Cytogenetic location: 13q13.1.
Variant type: single nucleotide variant.
Coding change: c.4486C>A on transcript NM_000059.4 (MANE Select); coding-DNA position 4486, C replaced by A.
Protein change: p.Pro1496Thr; replaces proline 1496 with threonine.
Molecular consequence: missense variant. On other transcripts: non-coding transcript variant (1), intron variant (2).
Genome position (GRCh38, 1-based): chr13:32,338,841, C>A. VCF-style: chr13-32338841-C-A. GRCh37 (hg19) VCF-style: chr13-32912978-C-A.
Other names: c.4486C>A, p.Pro1496Thr (NM_001406719.1, NM_001406720.1, NM_001432077.1); c.1909+5454C>A (NM_001406721.1); c.425-5717C>A (NM_001406722.1); short protein forms P1496T.
Identifiers: ClinVar variation 3893707 (VCV003893707.1).
Genomic context (GRCh38, chr13:32,338,841, plus strand): 5'-GACATTCTAAGTTATGAGGAAACAGACATAGTTAAACACAAAATACTGAAAGAAAGTGTC[C>A]CAGTTGGTACTGGAAATCAACTAGTGACCTTCCAGGGACAACCCGAACGTGATGAAAAGA-3'
Protein context (NP_000050.3, residues 1486-1506): VKHKILKESV[Pro1496Thr]VGTGNQLVTF

ClinVar aggregate classification (germline): Uncertain significance (1 of 4 stars; one submission).

Conditions:
Hereditary cancer-predisposing syndrome. Also called: Neoplastic Syndromes, Hereditary; Tumor predisposition; Hereditary Cancer Syndrome; Hereditary neoplastic syndrome. Identifiers: Orphanet 140162, MedGen C0027672, MeSH D009386, MONDO:0015356.

Submission:

Color Diagnostics, LLC DBA Color Health
Classification: Uncertain significance for Hereditary cancer-predisposing syndrome. Last evaluated: 2024-03-10. Review status: criteria provided, single submitter. Criteria: ACMG Guidelines, 2015. Collection method: clinical testing. Allele origin: germline.
Comment: This missense variant replaces proline with threonine at codon 1496 of the BRCA2 protein. Computational prediction suggests that this variant may not impact protein structure and function (internally defined REVEL score threshold <= 0.5, PMID: 27666373). To our knowledge, functional studies have not been reported for this variant. This variant has not been reported in individuals affected with BRCA2-related disorders in the literature. This variant has not been identified in the general population by the Genome Aggregation Database (gnomAD). The available evidence is insufficient to determine the role of this variant in disease conclusively. Therefore, this variant is classified as a Variant of Uncertain Significance.